The following is an entry in ClinVar:

ClinVar aggregate classification (germline): Likely benign. Review status: criteria provided, single submitter (1 of 4 stars). 2 submissions from 2 submitters: Likely benign (1). 1 of the submissions does not count toward it. Last evaluated 2024-02-14.

Conditions:
PAPSS2-related disorder. Also called: PAPSS2-related condition.
Spondyloepimetaphyseal dysplasia, PAPSS2 type. Also called: BRACHYOLMIA TYPE 4 WITH MILD EPIPHYSEAL AND METAPHYSEAL CHANGES; SPONDYLODYSPLASIA AND PREMATURE PUBARCHE; SEMD, PAKISTANI TYPE. Identifiers: Orphanet 93282, MedGen C2748516, MONDO:0019666, OMIM 612847.

Allele frequency attached by ClinVar (database versions not stated): ExAC 0.00001; gnomAD exomes 0.00001; TOPMed 0.00002.
gnomAD v4.1: 4 of 1,614,140 alleles (0.00025%); highest among the groups gnomAD compares: Admixed American, 0.005%; no homozygotes.

Submissions (2):

Labcorp Genetics (formerly Invitae), Labcorp
Classification: Likely benign for Spondyloepimetaphyseal dysplasia, PAPSS2 type. Last evaluated: 2024-02-14. Review status: criteria provided, single submitter. Criteria: Invitae Variant Classification Sherloc (09022015). Collection method: clinical testing. Allele origin: germline.

PreventionGenetics, part of Exact Sciences
Classification: Likely benign for PAPSS2-related condition. Last evaluated: 2019-06-06. Review status: no assertion criteria provided. Collection method: clinical testing. Allele origin: germline. Not counted in ClinVar's aggregate classification.
Comment: This variant is classified as likely benign based on ACMG/AMP sequence variant interpretation guidelines (Richards et al. 2015 PMID: 25741868, with internal and published modifications).

NM_001015880.2(PAPSS2):c.1539C>T (p.Tyr513=)

Gene: PAPSS2 (3'-phosphoadenosine 5'-phosphosulfate synthase 2; plus strand). Cytogenetic location: 10q23.31.
Variant type: single nucleotide variant.
Coding change: c.1539C>T on transcript NM_001015880.2 (MANE Select); coding-DNA position 1539, C replaced by T.
Protein change: p.Tyr513=; no amino-acid change (tyrosine 513 retained).
Molecular consequence: synonymous variant.
Genome position (GRCh38, 1-based): chr10:87,745,049, C>T. VCF-style: chr10-87745049-C-T. GRCh37 (hg19) VCF-style: chr10-89504806-C-T.
Other names: c.1524C>T, p.Tyr508= (NM_004670.4); c.1524C>T (NM_004670.3).
Identifiers: ClinVar variation 1616787 (VCV001616787.10), dbSNP rs201146455, ClinGen allele CA5589787.